The following is an entry in ClinVar:

NM_194454.3(KRIT1):c.1935del (p.Phe645fs)

Gene: KRIT1 (KRIT1 ankyrin repeat containing; minus strand). Cytogenetic location: 7q21.2.
Variant type: Deletion.
Coding change: c.1935del on transcript NM_194454.3 (MANE Select); coding-DNA position 1935, one base deleted (T; older notation c.1935delT).
Protein change: p.Phe645fs; shifts the reading frame from phenylalanine 645.
Molecular consequence: frameshift variant.
Genome position (GRCh38, 1-based): chr7:92,213,285, A deleted on the plus strand (T on the coding strand, the reverse complement: KRIT1 is on the minus strand); the first of 3 consecutive A bases (chr7:92,213,285-92,213,287); deleting any one gives the same sequence. VCF-style (leftmost placement, unchanged base first): chr7-92213284-TA-T. GRCh37 (hg19) VCF-style: chr7-91842598-TA-T.
Other names: c.1791del, p.Phe597fs (NM_001013406.2, NM_001350669.1, NM_001350670.1); c.1221del, p.Phe407fs (NM_001350671.1); c.1935del, p.Phe645fs (NM_001350672.1, NM_001350673.1, NM_001350674.1 and 26 more transcripts); short protein forms F407fs, F597fs, F645fs.
Identifiers: ClinVar variation 2735043 (VCV002735043.3), dbSNP rs2535705254, ClinGen allele CA2695207894.

ClinVar aggregate classification (germline): Pathogenic (1 of 4 stars; one submission).

Conditions:
Cerebral cavernous malformation (CCM). Also called: CAVERNOUS ANGIOMA, FAMILIAL; CAVERNOUS ANGIOMATOUS MALFORMATIONS; CEREBRAL CAPILLARY MALFORMATIONS; Cavernous Hemangioma of Brain; Cerebral cavernous hemangioma (type); Cerebral cavernous malformations. Identifiers: Orphanet 221061, MedGen C2919945, MONDO:0000820, OMIM 116860, HP:0033522.

Submission:

Labcorp Genetics (formerly Invitae), Labcorp
Classification: Pathogenic for Cerebral cavernous malformation. Last evaluated: 2023-05-15. Review status: criteria provided, single submitter. Criteria: Invitae Variant Classification Sherloc (09022015). Collection method: clinical testing. Allele origin: germline.
Comment: This variant is also known as 1314delT. This premature translational stop signal has been observed in individual(s) with cerebral cavernous malformations (PMID: 10545614). This variant is not present in population databases (gnomAD no frequency). This sequence change creates a premature translational stop signal (p.Phe645Leufs*16) in the KRIT1 gene. It is expected to result in an absent or disrupted protein product. Loss-of-function variants in KRIT1 are known to be pathogenic (PMID: 10508515, 11222804, 12404106, 24689081). For these reasons, this variant has been classified as Pathogenic.

Literature cited by the submitters: PubMed 10545614; PubMed 10508515; PubMed 11222804; PubMed 12404106; PubMed 24689081.